The following is an entry in ClinVar:

NM_020184.4(CNNM4):c.2137C>G (p.Arg713Gly)

Gene: CNNM4 (cyclin and CBS domain divalent metal cation transport mediator 4; plus strand). Cytogenetic location: 2q11.2.
Variant type: single nucleotide variant.
Coding change: c.2137C>G on transcript NM_020184.4 (MANE Select); coding-DNA position 2137, C replaced by G.
Protein change: p.Arg713Gly; replaces arginine 713 with glycine.
Molecular consequence: missense variant.
Genome position (GRCh38, 1-based): chr2:96,809,326, C>G. VCF-style: chr2-96809326-C-G. GRCh37 (hg19) VCF-style: chr2-97475063-C-G.
Other names: short protein forms R713G.
Identifiers: ClinVar variation 1369712 (VCV001369712.8), dbSNP rs552453867, ClinGen allele CA347709307.

ClinVar aggregate classification (germline): Uncertain significance (1 of 4 stars; one submission).

gnomAD v4.1: 4 of 1,614,086 alleles (0.00025%); highest among the groups gnomAD compares: Non-Finnish European, 0.00034%; no homozygotes.

Submission:

Labcorp Genetics (formerly Invitae), Labcorp
Classification: Uncertain significance. Last evaluated: 2022-06-13. Review status: criteria provided, single submitter. Criteria: Invitae Variant Classification Sherloc (09022015). Collection method: clinical testing. Allele origin: germline.
Comment: This sequence change replaces arginine, which is basic and polar, with glycine, which is neutral and non-polar, at codon 713 of the CNNM4 protein (p.Arg713Gly). This variant is not present in population databases (gnomAD no frequency). This variant has not been reported in the literature in individuals affected with CNNM4-related conditions. Algorithms developed to predict the effect of missense changes on protein structure and function are either unavailable or do not agree on the potential impact of this missense change (SIFT: "Tolerated"; PolyPhen-2: "Probably Damaging"; Align-GVGD: "Class C15"). In summary, the available evidence is currently insufficient to determine the role of this variant in disease. Therefore, it has been classified as a Variant of Uncertain Significance.